The following is an entry in ClinVar:

ClinVar aggregate classification (germline): Likely benign (1 of 4 stars; one submission).

Allele frequency attached by ClinVar (database versions not stated): ExAC 0.00221; 1000 Genomes Project 30x 0.00047; TOPMed 0.00209; gnomAD 0.00216; gnomAD exomes 0.00343; ESP Exome Variant Server 0.00335.

Submission:

CeGaT Center for Human Genetics Tuebingen
Classification: Likely benign. Last evaluated: 2023-04-01. Review status: criteria provided, single submitter. Criteria: CeGaT Center For Human Genetics Tuebingen Variant Classification Criteria Version 2. Collection method: clinical testing. Allele origin: germline. Affected: yes. Observed: 2 variant alleles.
Comment: NLRC4: BS1

NM_001199138.2(NLRC4):c.2350+36dup

Gene: NLRC4 (NLR family CARD domain containing 4; minus strand). Cytogenetic location: 2p22.3.
Variant type: Duplication.
Coding change: c.2350+36dup on transcript NM_001199138.2 (MANE Select); 36 bases into the intron after coding-DNA position 2350, one base duplicated (G; older notation c.2350+36dupG).
Molecular consequence: intron variant.
Genome position (GRCh38, 1-based): chr2:32,240,997, C duplicated on the plus strand (G on the coding strand, the reverse complement: NLRC4 is on the minus strand). VCF-style (leftmost placement, unchanged base first): chr2-32240996-A-AC. GRCh37 (hg19) VCF-style: chr2-32466065-A-AC.
Other names: c.355+36dup (NM_001302504.1); c.2350+36dup (NM_021209.4, NM_001199139.1).
Identifiers: ClinVar variation 2498809 (VCV002498809.28), dbSNP rs556856048, ClinGen allele CA1601822.